The following is an entry in ClinVar:

ClinVar aggregate classification (germline): Uncertain significance. Review status: criteria provided, multiple submitters, no conflicts (2 of 4 stars). 5 submissions from 5 submitters: Uncertain significance (5). Last evaluated 2024-07-17.

Conditions:
Familial adenomatous polyposis 1 (FAP1). Also called: POLYPOSIS, ADENOMATOUS INTESTINAL; FAMILIAL ADENOMATOUS POLYPOSIS 1, ATTENUATED. Identifiers: MedGen C2713442, MONDO:0021056, OMIM 175100. Disease mechanism: loss of function.
Hereditary cancer-predisposing syndrome. Also called: Hereditary neoplastic syndrome; Neoplastic Syndromes, Hereditary; Tumor predisposition; Hereditary Cancer Syndrome. Identifiers: Orphanet 140162, MedGen C0027672, MeSH D009386, MONDO:0015356.

Submissions (5):

Labcorp Genetics (formerly Invitae), Labcorp
Classification: Uncertain significance for Familial adenomatous polyposis 1. Last evaluated: 2024-07-17. Review status: criteria provided, single submitter. Criteria: Invitae Variant Classification Sherloc (09022015). Collection method: clinical testing. Allele origin: germline.
Comment: This sequence change replaces cysteine, which is neutral and slightly polar, with phenylalanine, which is neutral and non-polar, at codon 947 of the APC protein (p.Cys947Phe). This variant is not present in population databases (gnomAD no frequency). This variant has not been reported in the literature in individuals affected with APC-related conditions. ClinVar contains an entry for this variant (Variation ID: 469777). Advanced modeling of protein sequence and biophysical properties (such as structural, functional, and spatial information, amino acid conservation, physicochemical variation, residue mobility, and thermodynamic stability) performed at Invitae indicates that this missense variant is not expected to disrupt APC protein function with a negative predictive value of 95%. In summary, the available evidence is currently insufficient to determine the role of this variant in disease. Therefore, it has been classified as a Variant of Uncertain Significance.

Color Diagnostics, LLC DBA Color Health
Classification: Uncertain significance for Hereditary cancer-predisposing syndrome. Last evaluated: 2024-03-06. Review status: criteria provided, single submitter. Criteria: ACMG Guidelines, 2015. Collection method: clinical testing. Allele origin: germline.
Comment: This missense variant replaces cysteine with phenylalanine at codon 947 of the APC protein. Computational prediction is inconclusive regarding the impact of this variant on protein structure and function (internally defined REVEL score threshold 0.5 < inconclusive < 0.7, PMID: 27666373). To our knowledge, functional studies have not been reported for this variant. This variant has not been reported in individuals affected with hereditary cancer in the literature. This variant has not been identified in the general population by the Genome Aggregation Database (gnomAD). The available evidence is insufficient to determine the role of this variant in disease conclusively. Therefore, this variant is classified as a Variant of Uncertain Significance.

GeneDx
Classification: Uncertain significance. Last evaluated: 2022-11-03. Review status: criteria provided, single submitter. Criteria: GeneDx Variant Classification Process June 2021. Collection method: clinical testing. Allele origin: germline. Affected: yes.
Comment: Not observed at significant frequency in large population cohorts (gnomAD); In silico analysis supports that this missense variant does not alter protein structure/function; Has not been previously published as pathogenic or benign to our knowledge

Ambry Genetics
Classification: Uncertain significance for Hereditary cancer-predisposing syndrome. Last evaluated: 2021-06-07. Review status: criteria provided, single submitter. Criteria: Ambry Variant Classification Scheme 2023. Collection method: clinical testing. Allele origin: germline.
Comment: The p.C947F variant (also known as c.2840G>T), located in coding exon 15 of the APC gene, results from a G to T substitution at nucleotide position 2840. The cysteine at codon 947 is replaced by phenylalanine, an amino acid with highly dissimilar properties. This amino acid position is well conserved in available vertebrate species. In addition, in silico predictors for this gene do not accurately predict pathogenicity. Since supporting evidence is limited at this time, the clinical significance of this alteration remains unclear.

Women's Health and Genetics/Laboratory Corporation of America, LabCorp
Classification: Uncertain significance. Last evaluated: 2017-12-22. Review status: criteria provided, single submitter. Criteria: LabCorp Variant Classification Summary - May 2015. Collection method: clinical testing. Allele origin: germline.
Comment: Variant summary: The APC c.2840G>T (p.Cys947Phe) variant involves the alteration of a conserved nucleotide and 4/5 in silico tools predict a damaging outcome for this variant. However, these predictions have yet to be functionally assessed. This variant is absent in 245618 control chromosomes (gnomAD). The variant of interest has not, to our knowledge, been reported in affected individuals via publications and/or reputable databases/clinical diagnostic laboratories. Because of the absence of clinical information and the lack of functional studies, the variant is classified as a "Variant of Uncertain Significance (VUS)," until additional information becomes available.

NM_000038.6(APC):c.2840G>T (p.Cys947Phe)

Gene: APC (APC regulator of Wnt signaling pathway; plus strand). Cytogenetic location: 5q22.2.
Variant type: single nucleotide variant.
Coding change: c.2840G>T on transcript NM_000038.6 (MANE Select); coding-DNA position 2840, G replaced by T.
Protein change: p.Cys947Phe; replaces cysteine 947 with phenylalanine.
Molecular consequence: missense variant.
Genome position (GRCh38, 1-based): chr5:112,838,434, G>T. VCF-style: chr5-112838434-G-T. GRCh37 (hg19) VCF-style: chr5-112174131-G-T.
Other names: c.2840G>T, p.Cys947Phe (NM_001127510.3, NM_001354895.2); c.2786G>T, p.Cys929Phe (NM_001127511.3); c.2894G>T, p.Cys965Phe (NM_001354896.2); c.2870G>T, p.Cys957Phe (NM_001354897.2); c.2765G>T, p.Cys922Phe (NM_001354898.2); c.2756G>T, p.Cys919Phe (NM_001354899.2); c.2717G>T, p.Cys906Phe (NM_001354900.2); c.2663G>T, p.Cys888Phe (NM_001354901.2); and 5 more; short protein forms C929F, C947F, C821F, C919F, C965F, C664F, C787F, C846F.
Identifiers: ClinVar variation 469777 (VCV000469777.17), dbSNP rs997271472, ClinGen allele CA16027526.